The following is an entry in ClinVar:

NM_001267550.2(TTN):c.50254C>G (p.Pro16752Ala)

Genes: TTN (titin; minus strand), TTN-AS1 (TTN antisense RNA 1; plus strand). Cytogenetic location: 2q31.2.
Variant type: single nucleotide variant.
Coding change: c.50254C>G on transcript NM_001267550.2 (MANE Select); coding-DNA position 50254, C replaced by G.
Protein change: p.Pro16752Ala; replaces proline 16752 with alanine.
Molecular consequence: missense variant.
Genome position (GRCh38, 1-based): chr2:178,612,157, G>C on the plus strand (C>G on the coding strand, the complement: TTN is on the minus strand). VCF-style: chr2-178612157-G-C. GRCh37 (hg19) VCF-style: chr2-179476884-G-C.
Other names: c.45331C>G, p.Pro15111Ala (NM_001256850.1); c.23059C>G, p.Pro7687Ala (NM_003319.4); c.42550C>G, p.Pro14184Ala (NM_133378.4); c.23434C>G, p.Pro7812Ala (NM_133432.3); c.23635C>G, p.Pro7879Ala (NM_133437.4); short protein forms P15111A, P16752A, P7687A, P7812A, P7879A, P14184A.
Identifiers: ClinVar variation 515837 (VCV000515837.3), dbSNP rs938347047, ClinGen allele CA60986314.

ClinVar aggregate classification (germline): Conflicting classifications of pathogenicity. Review status: criteria provided, conflicting classifications (1 of 4 stars). 2 submissions from 2 submitters: Uncertain significance (1); Likely benign (1). Last evaluated 2021-09-30.

Conditions:
Cardiomyopathy (CMYO). Also called: Cardiomyopathies. Identifiers: Orphanet 167848, MedGen C0878544, MONDO:0004994, HP:0001638. Inheritance: Various modes of inheritance.

Allele frequency attached by ClinVar (database versions not stated): gnomAD exomes 0.00001; gnomAD 0.00002 and 0.00003; TOPMed 0.00005.
gnomAD v4.1: 16 of 1,608,404 alleles (0.00099%); highest among the groups gnomAD compares: Admixed American, 0.0051%; no homozygotes.

Submissions (2):

CHEO Genetics Diagnostic Laboratory, Children's Hospital of Eastern Ontario
Classification: Uncertain significance for Cardiomyopathy. Last evaluated: 2021-09-30. Review status: criteria provided, single submitter. Criteria: ACMG Guidelines, 2015. Collection method: clinical testing. Allele origin: germline.

GeneDx
Classification: Likely benign. Last evaluated: 2018-03-01. Review status: criteria provided, single submitter. Criteria: GeneDx Variant Classification (06012015). Collection method: clinical testing. Allele origin: germline. Affected: yes.
Comment: This variant is considered likely benign or benign based on one or more of the following criteria: it is a conservative change, it occurs at a poorly conserved position in the protein, it is predicted to be benign by multiple in silico algorithms, and/or has population frequency not consistent with disease.